The following is an entry in ClinVar:

ClinVar aggregate classification (germline): Uncertain significance (1 of 4 stars; one submission).

Submission:

Women's Health and Genetics/Laboratory Corporation of America, LabCorp
Classification: Uncertain significance. Last evaluated: 2026-01-19. Review status: criteria provided, single submitter. Criteria: LabCorp Variant Classification Summary - May 2015. Collection method: clinical testing. Allele origin: germline.
Comment: Variant summary: AP1S2 c.-1+15G>T is located in the untranslated mRNA region upstream of the initiation codon. Consensus agreement among computation tools predict no significant impact on normal splicing. However, these predictions have yet to be confirmed by functional studies. The variant was absent in 19667 control chromosomes. The available data on variant occurrences in the general population are insufficient to allow any conclusion about variant significance. To our knowledge, no occurrence of c.-1+15G>T in individuals affected with AP1S2-related conditions and no experimental evidence demonstrating its impact on protein function have been reported. No submitters have cited clinical-significance assessments for this variant to ClinVar. Based on the evidence outlined above, the variant was classified as uncertain significance.

NM_001272071.2(AP1S2):c.-1+15G>T

Gene: AP1S2 (adaptor related protein complex 1 subunit sigma 2; minus strand). Cytogenetic location: Xp22.2.
Variant type: single nucleotide variant.
Coding change: c.-1+15G>T on transcript NM_001272071.2 (MANE Select); 15 bases into the intron after 1 bases upstream of the start codon, G replaced by T.
Molecular consequence: intron variant.
Genome position (GRCh38, 1-based): chrX:15,854,673, C>A on the plus strand (G>T on the coding strand, the complement: AP1S2 is on the minus strand). VCF-style: chrX-15854673-C-A. GRCh37 (hg19) VCF-style: chrX-15872796-C-A.
Other names: c.-1+15G>T (NM_003916.5, NM_001440865.1, NM_001368994.1 and 3 more transcripts).
Identifiers: ClinVar variation 4689301 (VCV004689301.1).